The following is an entry in ClinVar:

ClinVar aggregate classification (germline): Uncertain significance. Review status: criteria provided, multiple submitters, no conflicts (2 of 4 stars). 2 submissions from 2 submitters: Uncertain significance (2). Last evaluated 2023-04-15.

Conditions:
Charcot-Marie-Tooth disease type 2. Also called: Charcot-Marie-Tooth type 2. Identifiers: Orphanet 64746, MedGen C0270914, MONDO:0018993.

Allele frequency attached by ClinVar (database versions not stated): gnomAD exomes 0.00001; ExAC 0.00002.

Submissions (2):

Labcorp Genetics (formerly Invitae), Labcorp
Classification: Uncertain significance for Charcot-Marie-Tooth disease type 2. Last evaluated: 2023-04-15. Review status: criteria provided, single submitter. Criteria: Invitae Variant Classification Sherloc (09022015). Collection method: clinical testing. Allele origin: germline.
Comment: In summary, the available evidence is currently insufficient to determine the role of this variant in disease. Therefore, it has been classified as a Variant of Uncertain Significance. Advanced modeling of protein sequence and biophysical properties (such as structural, functional, and spatial information, amino acid conservation, physicochemical variation, residue mobility, and thermodynamic stability) performed at Invitae indicates that this missense variant is not expected to disrupt AARS protein function. This variant has not been reported in the literature in individuals affected with AARS-related conditions. This variant is present in population databases (rs777939045, gnomAD 0.01%). This sequence change replaces arginine, which is basic and polar, with glutamine, which is neutral and polar, at codon 569 of the AARS protein (p.Arg569Gln).

Blueprint Genetics
Classification: Uncertain significance. Last evaluated: 2020-08-04. Review status: criteria provided, single submitter. Criteria: ACMG Guidelines, 2015. Collection method: clinical testing. Allele origin: germline.

NM_001605.3(AARS1):c.1706G>A (p.Arg569Gln)

Gene: AARS1 (alanyl-tRNA synthetase 1; minus strand). Cytogenetic location: 16q22.1.
Variant type: single nucleotide variant.
Coding change: c.1706G>A on transcript NM_001605.3 (MANE Select); coding-DNA position 1706, G replaced by A.
Protein change: p.Arg569Gln; replaces arginine 569 with glutamine.
Molecular consequence: missense variant.
Genome position (GRCh38, 1-based): chr16:70,261,123, C>T on the plus strand (G>A on the coding strand, the complement: AARS1 is on the minus strand). VCF-style: chr16-70261123-C-T. GRCh37 (hg19) VCF-style: chr16-70295026-C-T.
Other names: short protein forms R569Q.
Identifiers: ClinVar variation 2714894 (VCV002714894.4), dbSNP rs777939045, ClinGen allele CA8140709.
Genomic context (GRCh38, chr16:70,261,123, plus strand): 5'-ACCTGATCCCCCACTTTCAGGTCACCGTAGATGGTTCCAATGTGTAGCACATACCCTCCT[C>T]GGACCTGAGCATTCTTCACTGTAAACTCTGTTTTCTAAGAGGGGTCAAGGAAGAGACCAA-3'
Protein context (NP_001596.2, residues 559-579): TEFTVKNAQV[Arg569Gln]GGYVLHIGTI